The following is an entry in ClinVar:

NM_001386795.1(DTNA):c.1331G>A (p.Arg444Gln)

Gene: DTNA (dystrobrevin alpha; plus strand). Cytogenetic location: 18q12.1.
Variant type: single nucleotide variant.
Coding change: c.1331G>A on transcript NM_001386795.1 (MANE Select); coding-DNA position 1331, G replaced by A.
Protein change: p.Arg444Gln; replaces arginine 444 with glutamine.
Molecular consequence: missense variant. On other transcripts: intron variant (33).
Genome position (GRCh38, 1-based): chr18:34,838,822, G>A. VCF-style: chr18-34838822-G-A. GRCh37 (hg19) VCF-style: chr18-32418786-G-A.
Other names: c.1241G>A (NM_032978.6); c.377G>A, p.Arg126Gln (NM_001198942.1); c.1331G>A, p.Arg444Gln (NM_001386788.1); c.1250G>A, p.Arg417Gln (NM_001390.5, NM_001391.5); c.1241G>A, p.Arg414Gln (NM_032978.7); c.1095-9474G>A (NM_032975.4, NM_001386761.1, NM_001386762.1 and 1 more transcripts); c.1175+9333G>A (NM_001386754.1, NM_001386755.1, NM_001386760.1 and 5 more transcripts); c.1086-9474G>A (NM_001386763.1, NM_001386764.1, NM_001386768.1 and 13 more transcripts); and 5 more; short protein forms R126Q, R414Q, R417Q, R444Q.
Identifiers: ClinVar variation 2635929 (VCV002635929.5), dbSNP rs774480677, ClinGen allele CA8935671.
Genomic context (GRCh38, chr18:34,838,822, plus strand): 5'-ATGTGGCAGACAGGCTAGCTGATGAACATGTTCTCATCGGGTTGTATGTCAACATGCTCC[G>A]GAACAACCCCTCATGGTTAGTGCAGGTTTGGCTGCTTGACTGTCCTTAGAGAGGGATACA-3'
Protein context (NP_001373724.1, residues 434-454): VLIGLYVNML[Arg444Gln]NNPSCMLESS

ClinVar aggregate classification (germline): Uncertain significance. Review status: criteria provided, multiple submitters, no conflicts (2 of 4 stars). 3 submissions from 3 submitters: Uncertain significance (3). Last evaluated 2025-02-06.

Conditions:
DTNA-related disorder. Also called: DTNA-related condition.
Left ventricular noncompaction 1 (LVNC1). Also called: LEFT VENTRICULAR NONCOMPACTION 1 WITH OR WITHOUT CONGENITAL HEART DEFECTS. Identifiers: Orphanet 54260, MedGen C1858725, MONDO:0011403, OMIM 604169.

Allele frequency attached by ClinVar (database versions not stated): ExAC 0.00001; gnomAD 0.00002; gnomAD exomes 0.00002; TOPMed 0.00002.
gnomAD v4.1: 31 of 1,613,466 alleles (0.0019%); highest among the groups gnomAD compares: African/African-American, 0.004%; no homozygotes.

Submissions (3):

Ambry Genetics
Classification: Uncertain significance. Last evaluated: 2025-02-06. Review status: criteria provided, single submitter. Criteria: Ambry Variant Classification Scheme 2023. Collection method: clinical testing. Allele origin: germline.

PreventionGenetics, part of Exact Sciences
Classification: Uncertain significance for DTNA-related condition. Last evaluated: 2023-07-06. Review status: criteria provided, single submitter. Criteria: ACMG Guidelines, 2015. Collection method: clinical testing. Allele origin: germline.
Comment: The DTNA c.1250G>A variant is predicted to result in the amino acid substitution p.Arg417Gln. To our knowledge, this variant has not been reported in the literature. This variant is reported in 0.0062% of alleles in individuals of African descent in gnomAD. At this time, the clinical significance of this variant is uncertain due to the absence of conclusive functional and genetic evidence.

Labcorp Genetics (formerly Invitae), Labcorp
Classification: Uncertain significance for Left ventricular noncompaction 1. Last evaluated: 2022-11-04. Review status: criteria provided, single submitter. Criteria: Invitae Variant Classification Sherloc (09022015). Collection method: clinical testing. Allele origin: germline.
Comment: This variant is present in population databases (rs774480677, gnomAD 0.007%). This sequence change replaces arginine, which is basic and polar, with glutamine, which is neutral and polar, at codon 417 of the DTNA protein (p.Arg417Gln). This variant has not been reported in the literature in individuals affected with DTNA-related conditions. In summary, the available evidence is currently insufficient to determine the role of this variant in disease. Therefore, it has been classified as a Variant of Uncertain Significance. Algorithms developed to predict the effect of sequence changes on RNA splicing suggest that this variant may disrupt the consensus splice site. Algorithms developed to predict the effect of missense changes on protein structure and function output the following: SIFT: "Tolerated"; PolyPhen-2: "Benign"; Align-GVGD: "Class C0". The glutamine amino acid residue is found in multiple mammalian species, which suggests that this missense change does not adversely affect protein function.